The following is an entry in ClinVar:

ClinVar aggregate classification (germline): Uncertain significance. Review status: criteria provided, multiple submitters, no conflicts (2 of 4 stars). 2 submissions from 2 submitters: Uncertain significance (2). Last evaluated 2025-04-29.

Allele frequency attached by ClinVar (database versions not stated): gnomAD exomes 0.00001; ExAC 0.00002; gnomAD 0.00003 and 0.00004; TOPMed 0.00003; ESP Exome Variant Server 0.00008.
gnomAD v4.1: 37 of 1,614,038 alleles (0.0023%); highest among the groups gnomAD compares: Non-Finnish European, 0.0031%; no homozygotes.

Submissions (2):

Ambry Genetics
Classification: Uncertain significance. Last evaluated: 2025-04-29. Review status: criteria provided, single submitter. Criteria: Ambry Variant Classification Scheme 2023. Collection method: clinical testing. Allele origin: germline.

Labcorp Genetics (formerly Invitae), Labcorp
Classification: Uncertain significance. Last evaluated: 2024-11-11. Review status: criteria provided, single submitter. Criteria: Invitae Variant Classification Sherloc (09022015). Collection method: clinical testing. Allele origin: germline.
Comment: This sequence change replaces asparagine, which is neutral and polar, with serine, which is neutral and polar, at codon 83 of the PSMB4 protein (p.Asn83Ser). This variant is present in population databases (rs373620750, gnomAD 0.002%). This variant has not been reported in the literature in individuals affected with PSMB4-related conditions. ClinVar contains an entry for this variant (Variation ID: 1414636). An algorithm developed to predict the effect of missense changes on protein structure and function (PolyPhen-2) suggests that this variant is likely to be tolerated. In summary, the available evidence is currently insufficient to determine the role of this variant in disease. Therefore, it has been classified as a Variant of Uncertain Significance.

NM_002796.3(PSMB4):c.248A>G (p.Asn83Ser)

Gene: PSMB4 (proteasome 20S subunit beta 4; plus strand). Cytogenetic location: 1q21.3.
Variant type: single nucleotide variant.
Coding change: c.248A>G on transcript NM_002796.3 (MANE Select); coding-DNA position 248, A replaced by G.
Protein change: p.Asn83Ser; replaces asparagine 83 with serine.
Molecular consequence: missense variant.
Genome position (GRCh38, 1-based): chr1:151,400,088, A>G. VCF-style: chr1-151400088-A-G. GRCh37 (hg19) VCF-style: chr1-151372564-A-G.
Other names: c.248A>G (NM_002796.2); short protein forms N83S.
Identifiers: ClinVar variation 1414636 (VCV001414636.7), dbSNP rs373620750, ClinGen allele CA1090610.